The following is an entry in ClinVar:

ClinVar aggregate classification (germline): Benign (1 of 4 stars; one submission).

Allele frequency attached by ClinVar (database versions not stated): 1000 Genomes Project 0.09085; 1000 Genomes Project 30x 0.09119; gnomAD 0.11313 and 0.11340; TOPMed 0.11553.
gnomAD v4.1: 17,389 of 152,308 alleles (11%); highest among the groups gnomAD compares: Middle Eastern, 17%; 1,266 homozygotes.

Submission:

GeneDx
Classification: Benign. Last evaluated: 2018-06-19. Review status: criteria provided, single submitter. Criteria: GeneDx Variant Classification (06012015). Collection method: clinical testing. Allele origin: germline. Affected: yes.
Comment: This variant is considered likely benign or benign based on one or more of the following criteria: it is a conservative change, it occurs at a poorly conserved position in the protein, it is predicted to be benign by multiple in silico algorithms, and/or has population frequency not consistent with disease.

NM_052845.4(MMAB):c.645-247G>A

Gene: MMAB (metabolism of cobalamin associated B; minus strand). Cytogenetic location: 12q24.11.
Variant type: single nucleotide variant.
Coding change: c.645-247G>A on transcript NM_052845.4 (MANE Select); 247 bases into the intron before coding-DNA position 645, G replaced by A.
Molecular consequence: intron variant.
Genome position (GRCh38, 1-based): chr12:109,557,383, C>T on the plus strand (G>A on the coding strand, the complement: MMAB is on the minus strand). VCF-style: chr12-109557383-C-T. GRCh37 (hg19) VCF-style: chr12-109995188-C-T.
Identifiers: ClinVar variation 680640 (VCV000680640.1), dbSNP rs12828717, ClinGen allele CA13654467.
Genomic context (GRCh38, chr12:109,557,383, plus strand): 5'-ATGCCAAGGACTCTACTCCAGTGTCAAGGCTGGGGCCATTCCTGCAGGATGAGGCCATTG[C>T]CCCGGCCCTACCCCATGGGGCAGATGACTTTGGACTCCTCTCTGAGCCGGTTTTTGCACC-3'